The following is an entry in ClinVar:

NM_003079.5(SMARCE1):c.156+4G>A

Gene: SMARCE1 (SWI/SNF related BAF chromatin remodeling complex subunit E1; minus strand). Cytogenetic location: 17q21.2.
Variant type: single nucleotide variant.
Coding change: c.156+4G>A on transcript NM_003079.5 (MANE Select); 4 bases into the intron after coding-DNA position 156, G replaced by A.
Molecular consequence: intron variant.
Genome position (GRCh38, 1-based): chr17:40,642,451, C>T on the plus strand (G>A on the coding strand, the complement: SMARCE1 is on the minus strand). VCF-style: chr17-40642451-C-T. GRCh37 (hg19) VCF-style: chr17-38798703-C-T.
Identifiers: ClinVar variation 2035688 (VCV002035688.4), dbSNP rs769677960, ClinGen allele CA399369495.
Genomic context (GRCh38, chr17:40,642,451, plus strand): 5'-TTCTGAAGGCATTTCTGGTCAATTCCAGTTGTTTGCCGGATGCTGTAATAGTTGATTCTC[C>T]TACCGTGACCCGGCTGTTGGTGCCCGGGTTCCCTCCCAGCCTGTAGTTGTTGTAGGCGAG-3'

ClinVar aggregate classification (germline): Uncertain significance (1 of 4 stars; one submission).

Conditions:
Familial meningioma. Also called: Meningioma, familial, susceptibility to. Identifiers: Orphanet 263662, MedGen C3551915, MONDO:0011789, OMIM 607174.

Submission:

Labcorp Genetics (formerly Invitae), Labcorp
Classification: Uncertain significance for Familial meningioma. Last evaluated: 2022-10-15. Review status: criteria provided, single submitter. Criteria: Invitae Variant Classification Sherloc (09022015). Collection method: clinical testing. Allele origin: germline.
Comment: In summary, the available evidence is currently insufficient to determine the role of this variant in disease. Therefore, it has been classified as a Variant of Uncertain Significance. Variants that disrupt the consensus splice site are a relatively common cause of aberrant splicing (PMID: 17576681, 9536098). RNA analysis performed to evaluate the impact of this variant on mRNA splicing indicates it does not significantly alter splicing (Invitae). This variant has not been reported in the literature in individuals affected with SMARCE1-related conditions. This variant is not present in population databases (gnomAD no frequency). This sequence change falls in intron 4 of the SMARCE1 gene. It does not directly change the encoded amino acid sequence of the SMARCE1 protein. It affects a nucleotide within the consensus splice site.

Literature cited by the submitters: PubMed 17576681; PubMed 9536098.